The following is an entry in ClinVar:

ClinVar aggregate classification (germline): Uncertain significance. Review status: criteria provided, multiple submitters, no conflicts (2 of 4 stars). 5 submissions from 5 submitters: Uncertain significance (5). Last evaluated 2024-09-22.

Conditions:
Combined immunodeficiency due to LRBA deficiency. Also called: Common variable immunodeficiency 8, with autoimmunity. Identifiers: Orphanet 445018, MedGen C3553512, MONDO:0013863, OMIM 614700.

Allele frequency attached by ClinVar (database versions not stated): gnomAD exomes below 0.00001 and 0.00001; gnomAD 0.00005; TOPMed 0.00007.
gnomAD v4.1: 28 of 1,605,288 alleles (0.0017%); highest among the groups gnomAD compares: Middle Eastern, 0.05%; no homozygotes.

Submissions (5):

Genomic Medicine Center of Excellence, King Faisal Specialist Hospital and Research Centre
Classification: Uncertain significance for Combined immunodeficiency due to LRBA deficiency. Last evaluated: 2024-09-22. Review status: criteria provided, single submitter. Criteria: ACMG Guidelines, 2015. Collection method: clinical testing. Allele origin: germline.

Revvity Omics, Revvity
Classification: Uncertain significance for Combined immunodeficiency due to LRBA deficiency. Last evaluated: 2023-09-12. Review status: criteria provided, single submitter. Criteria: ACMG Guidelines, 2015. Collection method: clinical testing. Allele origin: germline.

Labcorp Genetics (formerly Invitae), Labcorp
Classification: Uncertain significance for Combined immunodeficiency due to LRBA deficiency. Last evaluated: 2023-07-21. Review status: criteria provided, single submitter. Criteria: Invitae Variant Classification Sherloc (09022015). Collection method: clinical testing. Allele origin: germline.
Comment: This sequence change replaces serine, which is neutral and polar, with asparagine, which is neutral and polar, at codon 732 of the LRBA protein (p.Ser732Asn). This variant is present in population databases (no rsID available, gnomAD 0.003%). This variant has not been reported in the literature in individuals affected with LRBA-related conditions. ClinVar contains an entry for this variant (Variation ID: 653893). Advanced modeling of protein sequence and biophysical properties (such as structural, functional, and spatial information, amino acid conservation, physicochemical variation, residue mobility, and thermodynamic stability) performed at Invitae indicates that this missense variant is not expected to disrupt LRBA protein function. In summary, the available evidence is currently insufficient to determine the role of this variant in disease. Therefore, it has been classified as a Variant of Uncertain Significance.

Neuberg Centre For Genomic Medicine, NCGM
Classification: Uncertain significance for Combined immunodeficiency due to LRBA deficiency. Last evaluated: 2023-03-01. Review status: criteria provided, single submitter. Criteria: ACMG Guidelines, 2015. Collection method: clinical testing. Allele origin: germline. Inheritance: Autosomal recessive inheritance. Affected: yes.
Comment: The missense variant c.2195G>A (p.Ser732Asn) in the LRBA gene has not been reported previously as a pathogenic variant nor as a benign variant, to our knowledge. This variant is reported with the allele frequency (0.0004%) in the gnomAD Exomes and novel (not in any individuals) in 1000 Genomes. This variant has been reported to the ClinVar database as Uncertain Significance. However, no details are available for independent assessment. The amino acid Serine at position 732 is changed to a Asparagine changing protein sequence and it might alter its composition and physico- chemical properties. The amino acid change p.Ser732Asn in LRBA is predicted as conserved by GERP++ and PhyloP across 100 vertebrates. For these reasons, this variant has been classified as Uncertain Significance.

Blueprint Genetics
Classification: Uncertain significance. Last evaluated: 2019-12-04. Review status: criteria provided, single submitter. Criteria: ACMG Guidelines, 2015. Collection method: clinical testing. Allele origin: germline.

NM_001364905.1(LRBA):c.2195G>A (p.Ser732Asn)

Gene: LRBA (LPS responsive beige-like anchor protein; minus strand). Cytogenetic location: 4q31.3.
Variant type: single nucleotide variant.
Coding change: c.2195G>A on transcript NM_001364905.1 (MANE Select); coding-DNA position 2195, G replaced by A.
Protein change: p.Ser732Asn; replaces serine 732 with asparagine.
Molecular consequence: missense variant.
Genome position (GRCh38, 1-based): chr4:150,872,726, C>T on the plus strand (G>A on the coding strand, the complement: LRBA is on the minus strand). VCF-style: chr4-150872726-C-T. GRCh37 (hg19) VCF-style: chr4-151793878-C-T.
Other names: c.2195G>A, p.Ser732Asn (NM_001199282.3, NM_001367550.1, NM_006726.5); short protein forms S732N.
Identifiers: ClinVar variation 653893 (VCV000653893.9), dbSNP rs866092082, ClinGen allele CA107835832.